The following is an entry in ClinVar:

NM_000070.3(CAPN3):c.518G>A (p.Trp173Ter)

Gene: CAPN3 (calpain 3; plus strand). Cytogenetic location: 15q15.1.
Variant type: single nucleotide variant.
Coding change: c.518G>A on transcript NM_000070.3 (MANE Select); coding-DNA position 518, G replaced by A.
Protein change: p.Trp173Ter; replaces tryptophan 173 with a stop codon.
Molecular consequence: nonsense.
Genome position (GRCh38, 1-based): chr15:42,387,772, G>A. VCF-style: chr15-42387772-G-A. GRCh37 (hg19) VCF-style: chr15-42679970-G-A.
Other names: c.518G>A, p.Trp173Ter (NM_024344.2, NM_173087.2); short protein forms W173*.
Identifiers: ClinVar variation 441261 (VCV000441261.11), dbSNP rs1555420475, ClinGen allele CA391997785.

ClinVar aggregate classification (germline): Pathogenic/Likely pathogenic. Review status: criteria provided, multiple submitters, no conflicts (2 of 4 stars). 4 submissions from 4 submitters: Pathogenic (2); Likely pathogenic (1). 1 of the submissions does not count toward it. Last evaluated 2024-05-08.

Conditions:
Autosomal recessive limb-girdle muscular dystrophy type 2A (LGMDR1). Also called: LEYDEN-MOEBIUS MUSCULAR DYSTROPHY; MUSCULAR DYSTROPHY, PELVOFEMORAL; Limb-girdle muscular dystrophy, type 2A; Muscular dystrophy, limb-girdle, type 2A, Amish; Calpainopathy. Identifiers: Orphanet 267, MedGen C1869123, MONDO:0009675, OMIM 253600. Disease mechanism: loss of function.

Submissions (4):

Myriad Genetics, Inc.
Classification: Pathogenic for Autosomal recessive limb-girdle muscular dystrophy type 2A. Last evaluated: 2024-05-08. Review status: criteria provided, single submitter. Criteria: Myriad Autosomal Dominant, Autosomal Recessive and X-Linked Classification Criteria (2023). Collection method: clinical testing. Allele origin: unknown.
Comment: NM_000070.2(CAPN3):c.518G>A(W173*) is expected to be pathogenic in the context of calpainopathy. This variant is predicted to lead to an abnormal or absent protein product due to the creation of a premature termination codon in CAPN3, a gene where loss-of-function variants are known to be pathogenic. Please note: this variant was assessed in the context of healthy population screening.

Kariminejad - Najmabadi Pathology & Genetics Center
Classification: Likely pathogenic for Autosomal recessive limb-girdle muscular dystrophy type 2A. Last evaluated: 2023-06-03. Review status: criteria provided, single submitter. Criteria: ACMG Guidelines, 2015. Collection method: clinical testing. Allele origin: germline. Inheritance: Autosomal recessive inheritance. Affected: yes.
Comment: PVS1-very strong,PM2,PM1?,PP5?

Labcorp Genetics (formerly Invitae), Labcorp
Classification: Pathogenic for Autosomal recessive limb-girdle muscular dystrophy type 2A. Last evaluated: 2020-06-17. Review status: criteria provided, single submitter. Criteria: Invitae Variant Classification Sherloc (09022015). Collection method: clinical testing. Allele origin: germline.
Comment: This variant is not present in population databases (ExAC no frequency). This sequence change creates a premature translational stop signal (p.Trp173*) in the CAPN3 gene. It is expected to result in an absent or disrupted protein product. This variant has not been reported in the literature in individuals with CAPN3-related conditions. ClinVar contains an entry for this variant (Variation ID: 441261). Loss-of-function variants in CAPN3 are known to be pathogenic (PMID: 10330340, 15689361). For these reasons, this variant has been classified as Pathogenic.

Institute of Human Genetics, Cologne University
Classification: Pathogenic for Autosomal recessive limb-girdle muscular dystrophy type 2A. Review status: no assertion criteria provided. Collection method: clinical testing. Allele origin: unknown. Affected: yes. Observed: 1 variant allele, 1 homozygote. Not counted in ClinVar's aggregate classification.

Literature cited by the submitters: PubMed 10330340 (cited by Labcorp Genetics (formerly Invitae), Labcorp); PubMed 15689361 (cited by Labcorp Genetics (formerly Invitae), Labcorp).